The following is an entry in ClinVar:

NM_001001548.3(CD36):c.609+2T>C

Gene: CD36 (CD36 molecule (CD36 blood group); plus strand). Cytogenetic location: 7q21.11.
Variant type: single nucleotide variant.
Coding change: c.609+2T>C on transcript NM_001001548.3 (MANE Select); the canonical splice donor site of the intron after coding-DNA position 609, T replaced by C.
Molecular consequence: splice donor variant. On other transcripts: intron variant (1).
Genome position (GRCh38, 1-based): chr7:80,663,171, T>C. VCF-style: chr7-80663171-T-C. GRCh37 (hg19) VCF-style: chr7-80292487-T-C.
Other names: c.609+2T>C (NM_001371075.1, NM_001001547.3, NM_001371074.1 and 6 more transcripts); c.144+2T>C (NM_001371081.1, NM_001371080.1); c.381+2T>C (NM_001289911.2); c.507+2T>C (NM_001371079.1); c.430-1235T>C (NM_001289909.1).
Identifiers: ClinVar variation 4998928 (VCV004998928.1).
Genomic context (GRCh38, chr7:80,663,171, plus strand): 5'-ATCCATTTTTGAGTTTGGTTCCGTACCCTGTTACTACCACAGTTGGTCTGTTTTATCCTG[T>C]AAGTACCAAATATGAATGGCAATATTATTACATTTTAATTTAATTAATTCAATGGCATTG-3'

ClinVar aggregate classification (germline): Likely pathogenic (1 of 4 stars; one submission).

Conditions:
CD36-related disorder. Also called: CD36-related condition; CD36-related disorders.

Submission:

PreventionGenetics, part of Exact Sciences
Classification: Likely pathogenic for CD36-related condition. Last evaluated: 2024-11-04. Review status: criteria provided, single submitter. Criteria: ACMG Guidelines, 2015. Collection method: clinical testing. Allele origin: germline.
Comment: The CD36 c.609+2T>C variant is predicted to disrupt the GT donor site and interfere with normal splicing. To our knowledge, this variant has not been reported in the literature or in a large population database (gnomAD), indicating this variant is rare. Variants that disrupt the consensus splice donor site in CD36 are expected to be pathogenic. This variant is interpreted as likely pathogenic.